The following continues an entry in ClinVar:

NM_007294.4(BRCA1):c.5177_5180del (p.Arg1726fs)

Gene: BRCA1. ClinVar aggregate classification (germline): Pathogenic. Pathogenic (1).

Submissions 24 to 37 of 37:

GeneKor MSA
Classification: Pathogenic. Last evaluated: 2020-01-01. Review status: criteria provided, single submitter. Criteria: ACMG Guidelines, 2015. Collection method: clinical testing. Allele origin: germline. Not counted in ClinVar's aggregate classification.
Comment: This is a deletion of 4 base pairs from exon 18 of the BRCA1 mRNA (c.5177_5180delGAAA), causing a frameshift at codon 1726. This deletion creates a premature translation stop signal 3 amino acid residues later and is expected to result in an absent or disrupted protein product. This variant is also known as 5296del4 in the literature and has been reported in individuals and families affected with breast and/or ovarian cancer (PMID: 9150171, 22923021, 24504028). The mutation database ClinVar contains entries for this variant (Variation ID: 37644).

Human Genome Sequencing Center Clinical Lab, Baylor College of Medicine
Classification: Pathogenic for hereditary breast and ovarian cancer syndrome. Last evaluated: 2018-10-05. Review status: criteria provided, single submitter. Criteria: ACMG Guidelines, 2015. Collection method: clinical testing. Allele origin: unknown. Not counted in ClinVar's aggregate classification.
Comment: The c.5177_5180del (p.Arg1726Lysfs*3) variant of the BRCA1 gene creates an early stop codon. It is expected to result in an absent or disrupted protein product. This variant has been reported in multiple individuals with breast and/or ovarian cancer (PMID: 9150171, 18042939, 21232165, 22333603, 22923021, 23397983, 24504028, 24728189, 25556971, 26287763, 27303907, 27831900, 28008555, 28324225). This variant has been identified in 2/251090 chromosomes in the general population by the Genome Aggregation Database (gnomAD). Truncating variants in BRCA1 are known to be pathogenic (PMID: 21989022, 17661172, 22762150). Therefore, the c.5177_5180del (p.Arg1726Lysfs*3) variant of the BRCA1 gene is classified as pathogenic.

Women's Health and Genetics/Laboratory Corporation of America, LabCorp
Classification: Pathogenic for Hereditary breast and ovarian cancer syndrome. Last evaluated: 2018-02-05. Review status: criteria provided, single submitter. Criteria: LabCorp Variant Classification Summary - May 2015. Collection method: clinical testing. Allele origin: germline. Not counted in ClinVar's aggregate classification.
Comment: Variant summary: BRCA1 c.5177_5180delGAAA (p.Arg1726LysfsX3) results in a premature termination codon, predicted to cause a truncation of the encoded protein or absence of the protein due to nonsense mediated decay, which are commonly known mechanisms for disease. Truncations downstream of this position have been classified as pathogenic by our laboratory (e.g., p.Met1728fsX2 and p.Gln1747X). The variant allele was found at a frequency of 8e-06 in 250304 control chromosomes. This frequency is not higher than expected for a pathogenic variant in BRCA1 causing Hereditary Breast and Ovarian Cancer (8e-06 vs 0.001), allowing no conclusion about variant significance. The c.5177_5180delGAAA variant has been reported in the literature in numerous individuals affected with Hereditary Breast and Ovarian Cancer. These data indicate that the variant is very likely to be associated with disease. To our knowledge, no experimental evidence demonstrating an impact on protein function has been reported. Seven clinical diagnostic laboratories have submitted clinical-significance assessments for this variant to ClinVar after 2014 without evidence for independent evaluation. All laboratories classified the variant as pathogenic. Based on the evidence outlined above, the variant was classified as pathogenic.

ARUP Laboratories, Molecular Genetics and Genomics, ARUP Laboratories
Classification: Pathogenic. Last evaluated: 2017-09-21. Review status: criteria provided, single submitter. Criteria: ARUP Molecular Germline Variant Investigation Process. Collection method: clinical testing. Allele origin: germline. Not counted in ClinVar's aggregate classification.

Consortium of Investigators of Modifiers of BRCA1/2 (CIMBA), c/o University of Cambridge
Classification: Pathogenic for Breast-ovarian cancer, familial, susceptibility to, 1. Last evaluated: 2015-10-02. Review status: criteria provided, single submitter. Criteria: CIMBA Mutation Classification guidelines May 2016. Collection method: clinical testing. Allele origin: germline. Not counted in ClinVar's aggregate classification.

Genesis Genomics
Classification: Pathogenic for Breast-ovarian cancer, familial, susceptibility to, 1. Review status: criteria provided, single submitter. Criteria: ACMG Guidelines, 2015. Collection method: clinical testing. Allele origin: germline. Affected: no. Observed: 1 variant allele. Not counted in ClinVar's aggregate classification.

University Health Network, Familial Cancer Clinic, Princess Margaret Cancer Centre
Classification: Pathogenic for BRCA1-related cancer predisposition. Review status: criteria provided, single submitter. Criteria: ACMG Guidelines, 2015. Collection method: clinical testing. Allele origin: germline. Inheritance: Autosomal dominant inheritance. Affected: yes and no. Observed: 2 variant alleles. Not counted in ClinVar's aggregate classification.

Human Genome Sequencing Center Clinical Lab, Baylor College of Medicine
Classification: Pathogenic for Rhabdomyosarcoma. Last evaluated: 2020-09-01. Review status: no assertion criteria provided. Collection method: provider interpretation. Allele origin: germline. Affected: yes. Not counted in ClinVar's aggregate classification.

BRCAlab, Lund University
Classification: Pathogenic for Breast-ovarian cancer, familial, susceptibility to, 1. Last evaluated: 2020-03-02. Review status: no assertion criteria provided. Collection method: clinical testing. Allele origin: germline. Affected: yes. Not counted in ClinVar's aggregate classification.

German Consortium for Hereditary Breast and Ovarian Cancer, University Hospital Cologne
Classification: Pathogenic for Ovarian neoplasm. Last evaluated: 2018-12-01. Review status: no assertion criteria provided. Collection method: research. Allele origin: germline. Affected: yes. Not counted in ClinVar's aggregate classification.

Counsyl
Classification: Pathogenic for Breast-ovarian cancer, familial, susceptibility to, 1. Last evaluated: 2017-10-27. Review status: no assertion criteria provided. Collection method: clinical testing. Allele origin: unknown. Not counted in ClinVar's aggregate classification.

Research Molecular Genetics Laboratory, Women's College Hospital, University of Toronto
Classification: Pathogenic for Hereditary breast ovarian cancer syndrome. Last evaluated: 2014-01-31. Review status: no assertion criteria provided. Collection method: research. Allele origin: germline. Affected: yes. Study: The Canadian Open Genetics Repository (COGR). Not counted in ClinVar's aggregate classification.

Sharing Clinical Reports Project (SCRP)
Classification: Pathogenic for Breast-ovarian cancer, familial 1. Last evaluated: 2013-05-28. Review status: no assertion criteria provided. Collection method: clinical testing. Allele origin: germline. Not counted in ClinVar's aggregate classification.

Breast Cancer Information Core (BIC) (BRCA1)
Classification: Pathogenic for Breast-ovarian cancer, familial 1. Last evaluated: 1999-12-30. Review status: no assertion criteria provided. Collection method: clinical testing. Allele origin: germline. Affected: yes. Observed: 39 variant alleles. Not counted in ClinVar's aggregate classification.

Literature cited by the submitters: PubMed 20104584 (cited by Labcorp Genetics (formerly Invitae), Labcorp and Institute for Genomic Medicine (IGM) Clinical Laboratory, Nationwide Children's Hospital); PubMed 9150171 (cited by 9 submitters); PubMed 22923021 (cited by 8 submitters); PubMed 23397983 (cited by 7 submitters); PubMed 24504028 (cited by 9 submitters); PubMed 26287763 (cited by 5 submitters); PubMed 27831900 (cited by 5 submitters); PubMed 18042939 (cited by 4 submitters); PubMed 22333603 (cited by 3 submitters); PubMed 27303907 (cited by Ambry Genetics and Quest Diagnostics Nichols Institute San Juan Capistrano); PubMed 28008555 (cited by 4 submitters); PubMed 28324225 (cited by 4 submitters); PubMed 33606809 (cited by 3 submitters); PubMed 27425403 (cited by 4 submitters); PubMed 27469594 (cited by 3 submitters); PubMed 29907814 (cited by 4 submitters); PubMed 33471991 (cited by Color Diagnostics, LLC DBA Color Health and All of Us Research Program, National Institutes of Health); PubMed 34717758 (cited by 4 submitters); PubMed 29053726 (cited by Mayo Clinic Laboratories, Mayo Clinic); PubMed 29161300 (cited by Mayo Clinic Laboratories, Mayo Clinic); PubMed 30322717 (cited by Mayo Clinic Laboratories, Mayo Clinic); PubMed 32341426 (cited by Mayo Clinic Laboratories, Mayo Clinic); PubMed 32772980 (cited by Mayo Clinic Laboratories, Mayo Clinic and Quest Diagnostics Nichols Institute San Juan Capistrano); PubMed 33646313 (cited by Mayo Clinic Laboratories, Mayo Clinic and Quest Diagnostics Nichols Institute San Juan Capistrano); PubMed 34413315 (cited by Mayo Clinic Laboratories, Mayo Clinic); PubMed 34887416 (cited by Mayo Clinic Laboratories, Mayo Clinic); PubMed 25556971 (cited by 3 submitters); PubMed 25452441 (cited by Quest Diagnostics Nichols Institute San Juan Capistrano); PubMed 21232165 (cited by Quest Diagnostics Nichols Institute San Juan Capistrano and Laboratory for Molecular Medicine, Mass General Brigham Personalized Medicine); PubMed 26295337 (cited by Quest Diagnostics Nichols Institute San Juan Capistrano); PubMed 26515461 (cited by Institute for Genomic Medicine (IGM) Clinical Laboratory, Nationwide Children's Hospital); PubMed 29133208 (cited by Institute for Genomic Medicine (IGM) Clinical Laboratory, Nationwide Children's Hospital); PubMed 35236825 (cited by Institute for Genomic Medicine (IGM) Clinical Laboratory, Nationwide Children's Hospital); PubMed 16912212 (cited by Institute for Genomic Medicine (IGM) Clinical Laboratory, Nationwide Children's Hospital and Women's Health and Genetics/Laboratory Corporation of America, LabCorp); PubMed 35464868 (cited by Institute for Genomic Medicine (IGM) Clinical Laboratory, Nationwide Children's Hospital); DOI 10.3389/fgene.2022.834265 (cited by National Health Laboratory Service, Universitas Academic Hospital and University of the Free State); PubMed 24728189 (cited by Women's Health and Genetics/Laboratory Corporation of America, LabCorp); PubMed 33372952 (cited by Human Genome Sequencing Center Clinical Lab, Baylor College of Medicine); PubMed 25428789 (cited by Counsyl); PubMed 16267036 (cited by Counsyl).